The following is an entry in ClinVar:

ClinVar aggregate classification (germline): Uncertain significance (1 of 4 stars; one submission).

Allele frequency attached by ClinVar (database versions not stated): TOPMed below 0.00001; gnomAD 0.00001; gnomAD exomes 0.00001; ExAC 0.00002.

Submission:

Labcorp Genetics (formerly Invitae), Labcorp
Classification: Uncertain significance. Last evaluated: 2022-03-26. Review status: criteria provided, single submitter. Criteria: Invitae Variant Classification Sherloc (09022015). Collection method: clinical testing. Allele origin: germline.
Comment: This sequence change replaces glycine, which is neutral and non-polar, with alanine, which is neutral and non-polar, at codon 81 of the EXOSC2 protein (p.Gly81Ala). This variant is present in population databases (rs768417818, gnomAD 0.003%). This variant has not been reported in the literature in individuals affected with EXOSC2-related conditions. Algorithms developed to predict the effect of missense changes on protein structure and function (SIFT, PolyPhen-2, Align-GVGD) all suggest that this variant is likely to be disruptive. In summary, the available evidence is currently insufficient to determine the role of this variant in disease. Therefore, it has been classified as a Variant of Uncertain Significance.

NM_014285.7(EXOSC2):c.242G>C (p.Gly81Ala)

Gene: EXOSC2 (exosome component 2; plus strand). Cytogenetic location: 9q34.12.
Variant type: single nucleotide variant.
Coding change: c.242G>C on transcript NM_014285.7 (MANE Select); coding-DNA position 242, G replaced by C.
Protein change: p.Gly81Ala; replaces glycine 81 with alanine.
Molecular consequence: missense variant. On other transcripts: non-coding transcript variant (1).
Genome position (GRCh38, 1-based): chr9:130,697,599, G>C. VCF-style: chr9-130697599-G-C. GRCh37 (hg19) VCF-style: chr9-133572986-G-C.
Other names: c.242G>C, p.Gly81Ala (NM_001282708.1, NM_001282709.1); short protein forms G81A.
Identifiers: ClinVar variation 1917572 (VCV001917572.5), dbSNP rs768417818, ClinGen allele CA5284786.